The following is an entry in ClinVar:

NM_003835.4(RGS9):c.1217G>A (p.Arg406His)

Gene: RGS9 (regulator of G protein signaling 9; plus strand). Cytogenetic location: 17q24.1.
Variant type: single nucleotide variant.
Coding change: c.1217G>A on transcript NM_003835.4 (MANE Select); coding-DNA position 1217, G replaced by A.
Protein change: p.Arg406His; replaces arginine 406 with histidine.
Molecular consequence: missense variant.
Genome position (GRCh38, 1-based): chr17:65,207,935, G>A. VCF-style: chr17-65207935-G-A. GRCh37 (hg19) VCF-style: chr17-63204053-G-A.
Other names: c.1208G>A, p.Arg403His (NM_001081955.3, NM_001165933.2); short protein forms R406H, R403H.
Identifiers: ClinVar variation 941476 (VCV000941476.9), dbSNP rs1453211373, ClinGen allele CA400671699.

ClinVar aggregate classification (germline): Uncertain significance (1 of 4 stars; one submission).

Allele frequency attached by ClinVar (database versions not stated): gnomAD exomes below 0.00001.
gnomAD v4.1: 4 of 1,611,562 alleles (0.00025%); highest among the groups gnomAD compares: Middle Eastern, 0.017%; no homozygotes.

Submission:

Labcorp Genetics (formerly Invitae), Labcorp
Classification: Uncertain significance. Last evaluated: 2019-09-14. Review status: criteria provided, single submitter. Criteria: Invitae Variant Classification Sherloc (09022015). Collection method: clinical testing. Allele origin: germline.
Comment: In summary, the available evidence is currently insufficient to determine the role of this variant in disease. Therefore, it has been classified as a Variant of Uncertain Significance. Algorithms developed to predict the effect of missense changes on protein structure and function (SIFT, PolyPhen-2, Align-GVGD) all suggest that this variant is likely to be disruptive, but these predictions have not been confirmed by published functional studies and their clinical significance is uncertain. This variant has not been reported in the literature in individuals with RGS9-related conditions. This variant is not present in population databases (ExAC no frequency). This sequence change replaces arginine with histidine at codon 406 of the RGS9 protein (p.Arg406His). The arginine residue is highly conserved and there is a small physicochemical difference between arginine and histidine.